The following is an entry in ClinVar:

ClinVar aggregate classification (germline): Uncertain significance (1 of 4 stars; one submission).

Conditions:
Cardiovascular phenotype. Identifiers: MedGen CN230736.

Submission:

Ambry Genetics
Classification: Uncertain significance for Cardiovascular phenotype. Last evaluated: 2024-08-23. Review status: criteria provided, single submitter. Criteria: Ambry Variant Classification Scheme 2023. Collection method: clinical testing. Allele origin: germline.
Comment: The p.P201L variant (also known as c.602C>T), located in coding exon 6 of the LDLRAP1 gene, results from a C to T substitution at nucleotide position 602. The proline at codon 201 is replaced by leucine, an amino acid with similar properties. This amino acid position is conserved. In addition, this alteration is predicted to be tolerated by in silico analysis. Based on the available evidence, the clinical significance of this variant remains unclear.

NM_015627.3(LDLRAP1):c.602C>T (p.Pro201Leu)

Gene: LDLRAP1 (low density lipoprotein receptor adaptor protein 1; plus strand). Cytogenetic location: 1p36.11.
Variant type: single nucleotide variant.
Coding change: c.602C>T on transcript NM_015627.3 (MANE Select); coding-DNA position 602, C replaced by T.
Protein change: p.Pro201Leu; replaces proline 201 with leucine.
Molecular consequence: missense variant.
Genome position (GRCh38, 1-based): chr1:25,563,139, C>T. VCF-style: chr1-25563139-C-T. GRCh37 (hg19) VCF-style: chr1-25889630-C-T.
Other names: short protein forms P201L.
Identifiers: ClinVar variation 3537761 (VCV003537761.1).